The following is an entry in ClinVar:

ClinVar aggregate classification (germline): Uncertain significance (1 of 4 stars; one submission).

Conditions:
Glycogen storage disease, type II (IOPD). Also called: Pompe Disease; GLYCOGENOSIS, GENERALIZED, CARDIAC FORM; GSD II; Glycogen storage disease type 2; Acid maltase deficiency disease; Aglucosidase alfa. Identifiers: Orphanet 365, MedGen C0017921, MONDO:0009290, OMIM 232300.

Submission:

Labcorp Genetics (formerly Invitae), Labcorp
Classification: Uncertain significance for Glycogen storage disease, type II. Last evaluated: 2022-07-05. Review status: criteria provided, single submitter. Criteria: Invitae Variant Classification Sherloc (09022015). Collection method: clinical testing. Allele origin: germline.
Comment: In summary, the available evidence is currently insufficient to determine the role of this variant in disease. Therefore, it has been classified as a Variant of Uncertain Significance. Advanced modeling of protein sequence and biophysical properties (such as structural, functional, and spatial information, amino acid conservation, physicochemical variation, residue mobility, and thermodynamic stability) performed at Invitae indicates that this missense variant is expected to disrupt GAA protein function. ClinVar contains an entry for this variant (Variation ID: 1373977). This variant has not been reported in the literature in individuals affected with GAA-related conditions. This variant is not present in population databases (gnomAD no frequency). This sequence change replaces histidine, which is basic and polar, with tyrosine, which is neutral and polar, at codon 295 of the GAA protein (p.His295Tyr).

NM_000152.5(GAA):c.883C>T (p.His295Tyr)

Gene: GAA (alpha glucosidase; plus strand). Cytogenetic location: 17q25.3.
Variant type: single nucleotide variant.
Coding change: c.883C>T on transcript NM_000152.5 (MANE Select); coding-DNA position 883, C replaced by T.
Protein change: p.His295Tyr; replaces histidine 295 with tyrosine.
Molecular consequence: missense variant.
Genome position (GRCh38, 1-based): chr17:80,107,824, C>T. VCF-style: chr17-80107824-C-T. GRCh37 (hg19) VCF-style: chr17-78081623-C-T.
Other names: c.883C>T, p.His295Tyr (NM_001079803.3, NM_001079804.3); short protein forms H295Y.
Identifiers: ClinVar variation 1373977 (VCV001373977.4), dbSNP rs751639773, ClinGen allele CA401363899.